The following is an entry in ClinVar:

ClinVar aggregate classification (germline): Uncertain significance. Review status: criteria provided, multiple submitters, no conflicts (2 of 4 stars). 3 submissions from 3 submitters: Uncertain significance (3). Last evaluated 2024-08-10.

Conditions:
Hereditary cancer-predisposing syndrome. Also called: Hereditary neoplastic syndrome; Neoplastic Syndromes, Hereditary; Hereditary Cancer Syndrome; Tumor predisposition. Identifiers: Orphanet 140162, MedGen C0027672, MeSH D009386, MONDO:0015356.
Cardiovascular phenotype. Identifiers: MedGen CN230736.
Neurofibromatosis, type 1 (NF1). Also called: Neurofibromatosis, type I; NEUROFIBROMATOSIS, TYPE I, SOMATIC; Peripheral type neurofibromatosis; VON RECKLINGHAUSEN DISEASE. Identifiers: Orphanet 636, MedGen C0027831, MONDO:0018975, OMIM 162200. Disease mechanism: loss of function.

Submissions (3):

Ambry Genetics
Classification: Uncertain significance for Cardiovascular phenotype; Hereditary cancer-predisposing syndrome. Last evaluated: 2024-08-10. Review status: criteria provided, single submitter. Criteria: Ambry Variant Classification Scheme 2023. Collection method: clinical testing. Allele origin: germline.
Comment: The p.W1641L variant (also known as c.4922G>T), located in coding exon 36 of the NF1 gene, results from a G to T substitution at nucleotide position 4922. The tryptophan at codon 1641 is replaced by leucine, an amino acid with similar properties. This amino acid position is conserved. In addition, this alteration is predicted to be deleterious by in silico analysis. Based on the available evidence, the clinical significance of this variant remains unclear.

GeneDx
Classification: Uncertain significance. Last evaluated: 2023-05-12. Review status: criteria provided, single submitter. Criteria: GeneDx Variant Classification Process June 2021. Collection method: clinical testing. Allele origin: germline. Affected: yes.
Comment: Not observed at significant frequency in large population cohorts (gnomAD); In silico analysis supports that this missense variant has a deleterious effect on protein structure/function; Has not been previously published as pathogenic or benign to our knowledge

Labcorp Genetics (formerly Invitae), Labcorp
Classification: Uncertain significance for Neurofibromatosis, type 1. Last evaluated: 2023-03-31. Review status: criteria provided, single submitter. Criteria: Invitae Variant Classification Sherloc (09022015). Collection method: clinical testing. Allele origin: germline.
Comment: In summary, the available evidence is currently insufficient to determine the role of this variant in disease. Therefore, it has been classified as a Variant of Uncertain Significance. Advanced modeling of protein sequence and biophysical properties (such as structural, functional, and spatial information, amino acid conservation, physicochemical variation, residue mobility, and thermodynamic stability) performed at Invitae indicates that this missense variant is expected to disrupt NF1 protein function. This sequence change replaces tryptophan, which is neutral and slightly polar, with leucine, which is neutral and non-polar, at codon 1641 of the NF1 protein (p.Trp1641Leu). This variant is not present in population databases (gnomAD no frequency). This variant has not been reported in the literature in individuals affected with NF1-related conditions.

NM_001042492.3(NF1):c.4985G>T (p.Trp1662Leu)

Gene: NF1 (neurofibromin 1; plus strand). Cytogenetic location: 17q11.2.
Variant type: single nucleotide variant.
Coding change: c.4985G>T on transcript NM_001042492.3 (MANE Select); coding-DNA position 4985, G replaced by T.
Protein change: p.Trp1662Leu; replaces tryptophan 1662 with leucine.
Molecular consequence: missense variant.
Genome position (GRCh38, 1-based): chr17:31,325,969, G>T. VCF-style: chr17-31325969-G-T. GRCh37 (hg19) VCF-style: chr17-29652987-G-T.
Other names: c.4922G>T, p.Trp1641Leu (NM_000267.4); short protein forms W1641L, W1662L.
Identifiers: ClinVar variation 2720890 (VCV002720890.5), dbSNP rs1567611375, ClinGen allele CA399007254.